The following is an entry in ClinVar:

NM_172107.4(KCNQ2):c.1302-18_1302-17insTCTGTCTGTCTGTCTT

Gene: KCNQ2 (potassium voltage-gated channel subfamily Q member 2; minus strand). Cytogenetic location: 20q13.33.
Variant type: Insertion.
Coding change: c.1302-18_1302-17insTCTGTCTGTCTGTCTT on transcript NM_172107.4 (MANE Select); 18 bases into the intron before coding-DNA position 1302 through 17 bases into the intron before coding-DNA position 1302, TCTGTCTGTCTGTCTT inserted.
Molecular consequence: intron variant.
Genome position: GRCh38 VCF-style: chr20-63415143-C-CGAAAGACAGACAGACA. GRCh37 (hg19) VCF-style: chr20-62046496-C-CGAAAGACAGACAGACA.
Other names: c.1218-18_1218-17insTCTGTCTGTCTGTCTT (NM_001439004.1, NM_004518.6); c.1248-54_1248-53insTCTGTCTGTCTGTCTT (NM_172108.5); c.1248-18_1248-17insTCTGTCTGTCTGTCTT (NM_001439003.1, NM_172106.3, NM_001382235.1).
Identifiers: ClinVar variation 4722858 (VCV004722858.1).

ClinVar aggregate classification (germline): Uncertain significance (1 of 4 stars; one submission).

Conditions:
Early-infantile DEE. Also called: Early infantile epileptic encephalopathy; Ohtahara syndrome; Early infantile epileptic encephalopathy with suppression bursts. Identifiers: Orphanet 1934, MedGen C0393706, MONDO:0800491.

Submission:

Labcorp Genetics (formerly Invitae), Labcorp
Classification: Uncertain significance for Early-infantile DEE. Last evaluated: 2025-07-14. Review status: criteria provided, single submitter. Criteria: Invitae Variant Classification Sherloc (09022015). Collection method: clinical testing. Allele origin: germline.
Comment: This sequence change falls in intron 12 of the KCNQ2 gene. It does not directly change the encoded amino acid sequence of the KCNQ2 protein. This variant is not present in population databases (gnomAD no frequency). This variant has not been reported in the literature in individuals affected with KCNQ2-related conditions. Experimental studies and prediction algorithms are not available or were not evaluated, and the effect of this variant on mRNA splicing is currently unknown. In summary, the available evidence is currently insufficient to determine the role of this variant in disease. Therefore, it has been classified as a Variant of Uncertain Significance.